The following is an entry in ClinVar:

ClinVar aggregate classification (germline): Uncertain significance. Review status: criteria provided, multiple submitters, no conflicts (2 of 4 stars). 2 submissions from 2 submitters: Uncertain significance (2). Last evaluated 2026-01-25.

Conditions:
Pulmonary hypertension, primary, 4. Identifiers: Orphanet 422, MedGen C3809198, MONDO:0014136, OMIM 615344.

Allele frequency attached by ClinVar (database versions not stated): gnomAD 0.00003 and 0.00004; gnomAD exomes 0.00003; ExAC 0.00006; TOPMed 0.00007.
gnomAD v4.1: 176 of 1,550,878 alleles (0.011%); highest among the groups gnomAD compares: Non-Finnish European, 0.015%; no homozygotes.

Submissions (2):

Labcorp Genetics (formerly Invitae), Labcorp
Classification: Uncertain significance for Pulmonary hypertension, primary, 4. Last evaluated: 2026-01-25. Review status: criteria provided, single submitter. Criteria: Invitae Variant Classification Sherloc (09022015). Collection method: clinical testing. Allele origin: germline.
Comment: This sequence change replaces glycine, which is neutral and non-polar, with glutamic acid, which is acidic and polar, at codon 365 of the KCNK3 protein (p.Gly365Glu). This variant is present in population databases (rs748278164, gnomAD 0.01%). This variant has not been reported in the literature in individuals affected with KCNK3-related conditions. ClinVar contains an entry for this variant (Variation ID: 1006500). An algorithm developed to predict the effect of missense changes on protein structure and function (PolyPhen-2) suggests that this variant is likely to be tolerated. In summary, the available evidence is currently insufficient to determine the role of this variant in disease. Therefore, it has been classified as a Variant of Uncertain Significance.

Fulgent Genetics
Classification: Uncertain significance for Pulmonary hypertension, primary, 4. Last evaluated: 2022-05-18. Review status: criteria provided, single submitter. Criteria: ACMG Guidelines, 2015. Collection method: clinical testing. Allele origin: unknown.

NM_002246.3(KCNK3):c.1094G>A (p.Gly365Glu)

Gene: KCNK3 (potassium two pore domain channel subfamily K member 3; plus strand). Cytogenetic location: 2p23.3.
Variant type: single nucleotide variant.
Coding change: c.1094G>A on transcript NM_002246.3 (MANE Select); coding-DNA position 1094, G replaced by A.
Protein change: p.Gly365Glu; replaces glycine 365 with glutamic acid.
Molecular consequence: missense variant.
Genome position (GRCh38, 1-based): chr2:26,728,477, G>A. VCF-style: chr2-26728477-G-A. GRCh37 (hg19) VCF-style: chr2-26951345-G-A.
Other names: short protein forms G365E.
Identifiers: ClinVar variation 1006500 (VCV001006500.7), dbSNP rs748278164, ClinGen allele CA1565602.